The following is an entry in ClinVar:

NM_004056.6(CA8):c.646dup (p.Trp216fs)

Gene: CA8 (carbonic anhydrase 8 (inactive); minus strand). Cytogenetic location: 8q12.1.
Variant type: Duplication.
Coding change: c.646dup on transcript NM_004056.6 (MANE Select); coding-DNA position 646, one base duplicated (T; older notation c.646dupT).
Protein change: p.Trp216fs; shifts the reading frame from tryptophan 216.
Molecular consequence: frameshift variant. On other transcripts: non-coding transcript variant (1).
Genome position (GRCh38, 1-based): chr8:60,222,741, A duplicated on the plus strand (T on the coding strand, the reverse complement: CA8 is on the minus strand). VCF-style (leftmost placement, unchanged base first): chr8-60222740-C-CA. GRCh37 (hg19) VCF-style: chr8-61135299-C-CA.
Other names: c.646dup, p.Trp216fs (NM_001321837.2, NM_001321838.2); c.550dup, p.Trp184fs (NM_001321839.2); short protein forms W216fs, W184fs.
Identifiers: ClinVar variation 4984538 (VCV004984538.1).

ClinVar aggregate classification (germline): Likely pathogenic (1 of 4 stars; one submission).

Conditions:
CA8-related condition.

Submission:

PreventionGenetics, part of Exact Sciences
Classification: Likely pathogenic for CA8-related condition. Last evaluated: 2026-03-17. Review status: criteria provided, single submitter. Criteria: ACMG Guidelines, 2015. Collection method: clinical testing. Allele origin: germline.
Comment: The CA8 c.646dupT variant is predicted to result in a frameshift and premature protein termination (p.Trp216Leufs*4). To our knowledge, this variant has not been reported in the literature or in a large population database (gnomAD), indicating this variant is rare. Frameshift variants in CA8 are expected to be pathogenic. This variant is interpreted as likely pathogenic.